The following is an entry in ClinVar:

NM_006445.4(PRPF8):c.5783C>A (p.Ser1928Ter)

Gene: PRPF8 (pre-mRNA processing factor 8; minus strand). Cytogenetic location: 17p13.3.
Variant type: single nucleotide variant.
Coding change: c.5783C>A on transcript NM_006445.4 (MANE Select); coding-DNA position 5783, C replaced by A.
Protein change: p.Ser1928Ter; replaces serine 1928 with a stop codon.
Molecular consequence: nonsense.
Genome position (GRCh38, 1-based): chr17:1,656,402, G>T on the plus strand (C>A on the coding strand, the complement: PRPF8 is on the minus strand). VCF-style: chr17-1656402-G-T. GRCh37 (hg19) VCF-style: chr17-1559696-G-T.
Other names: short protein forms S1928*.
Identifiers: ClinVar variation 4715217 (VCV004715217.1).

ClinVar aggregate classification (germline): Pathogenic (1 of 4 stars; one submission).

Submission:

Labcorp Genetics (formerly Invitae), Labcorp
Classification: Pathogenic. Last evaluated: 2025-03-16. Review status: criteria provided, single submitter. Criteria: Invitae Variant Classification Sherloc (09022015). Collection method: clinical testing. Allele origin: germline.
Comment: This sequence change creates a premature translational stop signal (p.Ser1928*) in the PRPF8 gene. It is expected to result in an absent or disrupted protein product. Loss-of-function variants in PRPF8 are known to be pathogenic (PMID: 27208204, 31054281, 33946315). This variant is not present in population databases (gnomAD no frequency). This variant has not been reported in the literature in individuals affected with PRPF8-related conditions. For these reasons, this variant has been classified as Pathogenic.

Literature cited by the submitters: PubMed 27208204; PubMed 31054281; PubMed 33946315.